The following is an entry in ClinVar:

NM_001100913.3(PACS2):c.2335G>A (p.Ala779Thr)

Gene: PACS2 (phosphofurin acidic cluster sorting protein 2; plus strand). Cytogenetic location: 14q32.33.
Variant type: single nucleotide variant.
Coding change: c.2335G>A on transcript NM_001100913.3 (MANE Select); coding-DNA position 2335, G replaced by A.
Protein change: p.Ala779Thr; replaces alanine 779 with threonine.
Molecular consequence: missense variant.
Genome position (GRCh38, 1-based): chr14:105,392,698, G>A. VCF-style: chr14-105392698-G-A. GRCh37 (hg19) VCF-style: chr14-105859035-G-A.
Other names: c.2065G>A, p.Ala689Thr (NM_001243127.3); c.2290G>A, p.Ala764Thr (NM_015197.4); short protein forms A689T, A764T, A779T.
Identifiers: ClinVar variation 2058687 (VCV002058687.4), dbSNP rs782288505, ClinGen allele CA7389245.

ClinVar aggregate classification (germline): Uncertain significance (1 of 4 stars; one submission).

Allele frequency attached by ClinVar (database versions not stated): ExAC 0.00001; gnomAD 0.00001.
gnomAD v4.1: 8 of 1,612,756 alleles (0.0005%); highest among the groups gnomAD compares: South Asian, 0.0055%; no homozygotes.

Submission:

Labcorp Genetics (formerly Invitae), Labcorp
Classification: Uncertain significance. Last evaluated: 2024-12-03. Review status: criteria provided, single submitter. Criteria: Invitae Variant Classification Sherloc (09022015). Collection method: clinical testing. Allele origin: germline.
Comment: This sequence change replaces alanine, which is neutral and non-polar, with threonine, which is neutral and polar, at codon 779 of the PACS2 protein (p.Ala779Thr). This variant is present in population databases (rs782288505, gnomAD 0.01%). This variant has not been reported in the literature in individuals affected with PACS2-related conditions. ClinVar contains an entry for this variant (Variation ID: 2058687). Invitae Evidence Modeling of protein sequence and biophysical properties (such as structural, functional, and spatial information, amino acid conservation, physicochemical variation, residue mobility, and thermodynamic stability) indicates that this missense variant is not expected to disrupt PACS2 protein function with a negative predictive value of 80%. In summary, the available evidence is currently insufficient to determine the role of this variant in disease. Therefore, it has been classified as a Variant of Uncertain Significance.